The following is an entry in ClinVar:

ClinVar aggregate classification (germline): Uncertain significance. Review status: criteria provided, multiple submitters, no conflicts (2 of 4 stars). 4 submissions from 4 submitters: Uncertain significance (4). Last evaluated 2024-08-01.

Conditions:
Inborn genetic diseases. Identifiers: MedGen C0950123, MeSH D030342.
Joubert syndrome. Also called: JOUBERT-BOLTSHAUSER SYNDROME; Familial aplasia of the vermis. Identifiers: Orphanet 475, MedGen C5979921, MONDO:0018772.
Joubert syndrome 3 (JBTS3). Also called: AHI1-related Ciliopathy. Identifiers: Orphanet 220493, MedGen C1837713, MONDO:0012078, OMIM 608629.

Allele frequency attached by ClinVar (database versions not stated): TOPMed below 0.00001; gnomAD 0.00001; gnomAD exomes 0.00003 and 0.00004; ExAC 0.00005.
gnomAD v4.1: 40 of 1,585,684 alleles (0.0025%); highest among the groups gnomAD compares: South Asian, 0.043%; no homozygotes.

Submissions (4):

Ambry Genetics
Classification: Uncertain significance for Inborn genetic diseases. Last evaluated: 2024-08-01. Review status: criteria provided, single submitter. Criteria: Ambry Variant Classification Scheme 2023. Collection method: clinical testing. Allele origin: germline.

Blueprint Genetics
Classification: Uncertain significance. Last evaluated: 2022-11-04. Review status: criteria provided, single submitter. Criteria: ACMG Guidelines, 2015. Collection method: clinical testing. Allele origin: germline.

Labcorp Genetics (formerly Invitae), Labcorp
Classification: Uncertain significance for Joubert syndrome. Last evaluated: 2022-08-03. Review status: criteria provided, single submitter. Criteria: Invitae Variant Classification Sherloc (09022015). Collection method: clinical testing. Allele origin: germline.
Comment: This sequence change replaces isoleucine, which is neutral and non-polar, with threonine, which is neutral and polar, at codon 680 of the AHI1 protein (p.Ile680Thr). This variant is present in population databases (rs761596435, gnomAD 0.03%). This variant has not been reported in the literature in individuals affected with AHI1-related conditions. ClinVar contains an entry for this variant (Variation ID: 1052760). Algorithms developed to predict the effect of missense changes on protein structure and function (SIFT, PolyPhen-2, Align-GVGD) all suggest that this variant is likely to be tolerated. In summary, the available evidence is currently insufficient to determine the role of this variant in disease. Therefore, it has been classified as a Variant of Uncertain Significance.

Fulgent Genetics
Classification: Uncertain significance for Joubert syndrome 3. Last evaluated: 2021-07-28. Review status: criteria provided, single submitter. Criteria: ACMG Guidelines, 2015. Collection method: clinical testing. Allele origin: unknown.

NM_001134831.2(AHI1):c.2039T>C (p.Ile680Thr)

Gene: AHI1 (Abelson helper integration site 1; minus strand). Cytogenetic location: 6q23.3.
Variant type: single nucleotide variant.
Coding change: c.2039T>C on transcript NM_001134831.2 (MANE Select); coding-DNA position 2039, T replaced by C.
Protein change: p.Ile680Thr; replaces isoleucine 680 with threonine.
Molecular consequence: missense variant.
Genome position (GRCh38, 1-based): chr6:135,433,254, A>G on the plus strand (T>C on the coding strand, the complement: AHI1 is on the minus strand). VCF-style: chr6-135433254-A-G. GRCh37 (hg19) VCF-style: chr6-135754392-A-G.
Other names: c.2039T>C, p.Ile680Thr (NM_001134830.2, NM_001134832.2, NM_001350503.2 and 2 more transcripts); short protein forms I680T.
Identifiers: ClinVar variation 1052760 (VCV001052760.9), dbSNP rs761596435, ClinGen allele CA4012451.